The following is an entry in ClinVar:

ClinVar aggregate classification (germline): Uncertain significance (1 of 4 stars; one submission).

gnomAD v4.1: 9 of 1,602,784 alleles (0.00056%); highest among the groups gnomAD compares: African/African-American, 0.004%; no homozygotes.

Submission:

Labcorp Genetics (formerly Invitae), Labcorp
Classification: Uncertain significance. Last evaluated: 2025-02-23. Review status: criteria provided, single submitter. Criteria: Invitae Variant Classification Sherloc (09022015). Collection method: clinical testing. Allele origin: germline.
Comment: This sequence change replaces proline, which is neutral and non-polar, with serine, which is neutral and polar, at codon 988 of the CASZ1 protein (p.Pro988Ser). This variant is present in population databases (no rsID available, gnomAD 0.008%). This variant has not been reported in the literature in individuals affected with CASZ1-related conditions. An algorithm developed to predict the effect of missense changes on protein structure and function (PolyPhen-2) suggests that this variant is likely to be tolerated. In summary, the available evidence is currently insufficient to determine the role of this variant in disease. Therefore, it has been classified as a Variant of Uncertain Significance.

NM_001079843.3(CASZ1):c.2962C>T (p.Pro988Ser)

Gene: CASZ1 (castor zinc finger 1; minus strand). Cytogenetic location: 1p36.22.
Variant type: single nucleotide variant.
Coding change: c.2962C>T on transcript NM_001079843.3 (MANE Select); coding-DNA position 2962, C replaced by T.
Protein change: p.Pro988Ser; replaces proline 988 with serine.
Molecular consequence: missense variant.
Genome position (GRCh38, 1-based): chr1:10,649,356, G>A on the plus strand (C>T on the coding strand, the complement: CASZ1 is on the minus strand). VCF-style: chr1-10649356-G-A. GRCh37 (hg19) VCF-style: chr1-10709413-G-A.
Other names: c.2962C>T, p.Pro988Ser (NM_017766.5); short protein forms P988S.
Identifiers: ClinVar variation 4695151 (VCV004695151.1).